The following is an entry in ClinVar:

NM_206933.4(USH2A):c.5320T>A (p.Leu1774Met)

Genes: USH2A (usherin; minus strand), USH2A-AS2 (USH2A antisense RNA 2; plus strand). Cytogenetic location: 1q41.
Variant type: single nucleotide variant.
Coding change: c.5320T>A on transcript NM_206933.4 (MANE Select); coding-DNA position 5320, T replaced by A.
Protein change: p.Leu1774Met; replaces leucine 1774 with methionine.
Molecular consequence: missense variant.
Genome position (GRCh38, 1-based): chr1:216,078,341, A>T on the plus strand (T>A on the coding strand, the complement: USH2A is on the minus strand). VCF-style: chr1-216078341-A-T. GRCh37 (hg19) VCF-style: chr1-216251683-A-T.
Other names: short protein forms L1774M.
Identifiers: ClinVar variation 1065026 (VCV001065026.3), dbSNP rs2102554556, ClinGen allele CA344856626.

ClinVar aggregate classification (germline): Uncertain significance (1 of 4 stars; one submission).

Conditions:
Hearing impairment. Also called: Impaired Hearing. Identifiers: MedGen C1384666, MONDO:0005365, HP:0000365.

Submission:

Department of Otolaryngology – Head & Neck Surgery, Cochlear Implant Center
Classification: Uncertain significance for Hearing impairment. Last evaluated: 2021-04-12. Review status: criteria provided, single submitter. Criteria: ClinGen HL ACMG Specifications v1. Collection method: clinical testing. Allele origin: germline. Affected: yes.
Comment: PM2_Moderate, BP4_Supporting